The following is an entry in ClinVar:

ClinVar aggregate classification (germline): Benign/Likely benign. Review status: criteria provided, multiple submitters, no conflicts (2 of 4 stars). 3 submissions from 3 submitters: Benign (1); Likely benign (2). Last evaluated 2025-08-06.

Conditions:
Hereditary cancer-predisposing syndrome. Also called: Tumor predisposition; Neoplastic Syndromes, Hereditary; Hereditary Cancer Syndrome; Hereditary neoplastic syndrome. Identifiers: Orphanet 140162, MedGen C0027672, MeSH D009386, MONDO:0015356.
Familial adenomatous polyposis 1 (FAP1). Also called: POLYPOSIS, ADENOMATOUS INTESTINAL; FAMILIAL ADENOMATOUS POLYPOSIS 1, ATTENUATED. Identifiers: MedGen C2713442, MONDO:0021056, OMIM 175100. Disease mechanism: loss of function.

gnomAD v4.1: 1 of 1,614,156 alleles (0.000062%); highest among the groups gnomAD compares: South Asian, 0.0011%; no homozygotes.

Submissions (3):

Labcorp Genetics (formerly Invitae), Labcorp
Classification: Likely benign for Familial adenomatous polyposis 1. Last evaluated: 2025-08-06. Review status: criteria provided, single submitter. Criteria: Invitae Variant Classification Sherloc (09022015). Collection method: clinical testing. Allele origin: germline.

Myriad Genetics, Inc.
Classification: Benign for Familial adenomatous polyposis 1. Last evaluated: 2024-03-21. Review status: criteria provided, single submitter. Criteria: Myriad Autosomal Dominant, Autosomal Recessive and X-Linked Classification Criteria (2023). Collection method: clinical testing. Allele origin: unknown.
Comment: This variant is considered benign. This variant is a silent/synonymous amino acid change and it is not expected to impact splicing.

Ambry Genetics
Classification: Likely benign for Hereditary cancer-predisposing syndrome. Last evaluated: 2019-08-24. Review status: criteria provided, single submitter. Criteria: Ambry Variant Classification Scheme 2023. Collection method: clinical testing. Allele origin: germline.

NM_000038.6(APC):c.3576A>G (p.Lys1192=)

Gene: APC (APC regulator of Wnt signaling pathway; plus strand). Cytogenetic location: 5q22.2.
Variant type: single nucleotide variant.
Coding change: c.3576A>G on transcript NM_000038.6 (MANE Select); coding-DNA position 3576, A replaced by G.
Protein change: p.Lys1192=; no amino-acid change (lysine 1192 retained).
Molecular consequence: synonymous variant.
Genome position (GRCh38, 1-based): chr5:112,839,170, A>G. VCF-style: chr5-112839170-A-G. GRCh37 (hg19) VCF-style: chr5-112174867-A-G.
Other names: c.3576A>G, p.Lys1192= (NM_001127510.3, NM_001354895.2); c.3522A>G, p.Lys1174= (NM_001127511.3); c.3630A>G, p.Lys1210= (NM_001354896.2); c.3606A>G, p.Lys1202= (NM_001354897.2); c.3501A>G, p.Lys1167= (NM_001354898.2); c.3492A>G, p.Lys1164= (NM_001354899.2); c.3453A>G, p.Lys1151= (NM_001354900.2); c.3399A>G, p.Lys1133= (NM_001354901.2); and 5 more.
Identifiers: ClinVar variation 1160773 (VCV001160773.12), dbSNP rs2149894727, ClinGen allele CA445963613.
Genomic context (GRCh38, chr5:112,839,170, plus strand): 5'-TGTGGATCAGCCTATTGATTATAGTTTAAAATATGCCACAGATATTCCTTCATCACAGAA[A>G]CAGTCATTTTCATTCTCAAAGAGTTCATCTGGACAAAGCAGTAAAACCGAACATATGTCT-3'
Protein context (NP_000029.2, residues 1182-1202): KYATDIPSSQ[Lys1192=]QSFSFSKSSS